The following is an entry in ClinVar:

NM_022173.4(TIA1):c.475-11G>T

Gene: TIA1 (TIA1 cytotoxic granule associated RNA binding protein; minus strand). Cytogenetic location: 2p13.3.
Variant type: single nucleotide variant.
Coding change: c.475-11G>T on transcript NM_022173.4 (MANE Select); 11 bases into the intron before coding-DNA position 475, G replaced by T.
Molecular consequence: intron variant.
Genome position (GRCh38, 1-based): chr2:70,217,005, C>A on the plus strand (G>T on the coding strand, the complement: TIA1 is on the minus strand). VCF-style: chr2-70217005-C-A. GRCh37 (hg19) VCF-style: chr2-70444137-C-A.
Other names: c.331-11G>T (NM_001351513.1); c.364-11G>T (NM_001351511.1); c.337-11G>T (NM_001351512.1); c.247-11G>T (NM_001351514.2); c.55-11G>T (NM_001351524.2, NM_001351517.2, NM_001351525.2); c.442-11G>T (NM_001351510.2, NM_022037.4); c.172-11G>T (NM_001351515.2); c.475-11G>T (NM_001351508.2, NM_001351516.2, NM_001351518.2); and 1 more.
Identifiers: ClinVar variation 2025337 (VCV002025337.4), dbSNP rs2466590494, ClinGen allele CA2580067732.
Genomic context (GRCh38, chr2:70,217,005, plus strand): 5'-CTTCCACCAAGCCACTGGCCACCCATCTGTTGAATGGCGTTTTCAGCATCCTGTTCCGTA[C>A]AACATTAGAAACAATAAAGAAGTCACTATTAGTTGATGTTAAACAACTCTTAGCAGTAGA-3'

ClinVar aggregate classification (germline): Uncertain significance (1 of 4 stars; one submission).

Conditions:
Welander distal myopathy (WDM). Also called: Gower's muscular dystrophy; Welander distal myopathy, Swedish type; Distal myopathy, Swedish type; MUSCULAR DYSTROPHY, DISTAL, LATE-ONSET, AUTOSOMAL DOMINANT. Identifiers: Orphanet 603, MedGen C0221054, MONDO:0011466, OMIM 604454.

Submission:

Labcorp Genetics (formerly Invitae), Labcorp
Classification: Uncertain significance for Welander distal myopathy. Last evaluated: 2022-08-20. Review status: criteria provided, single submitter. Criteria: Invitae Variant Classification Sherloc (09022015). Collection method: clinical testing. Allele origin: germline.
Comment: In summary, the available evidence is currently insufficient to determine the role of this variant in disease. Therefore, it has been classified as a Variant of Uncertain Significance. This sequence change falls in intron 7 of the TIA1 gene. It does not directly change the encoded amino acid sequence of the TIA1 protein. This variant is not present in population databases (gnomAD no frequency). This variant has not been reported in the literature in individuals affected with TIA1-related conditions. Algorithms developed to predict the effect of sequence changes on RNA splicing suggest that this variant may create or strengthen a splice site.